The following is an entry in ClinVar:

NM_001286445.3(RIPOR2):c.1164+501G>A

Gene: RIPOR2 (RHO family interacting cell polarization regulator 2; minus strand). Cytogenetic location: 6p22.3.
Variant type: single nucleotide variant.
Coding change: c.1164+501G>A on transcript NM_001286445.3 (MANE Select); 501 bases into the intron after coding-DNA position 1164, G replaced by A.
Molecular consequence: intron variant.
Genome position (GRCh38, 1-based): chr6:24,847,524, C>T on the plus strand (G>A on the coding strand, the complement: RIPOR2 is on the minus strand). VCF-style: chr6-24847524-C-T. GRCh37 (hg19) VCF-style: chr6-24847752-C-T.
Other names: c.1077+501G>A (NM_001346031.2, NM_001346032.2, NM_015864.5 and 1 more transcripts); c.1227+18G>A (NM_014722.5); c.1179+501G>A (NM_001286446.3).
Identifiers: ClinVar variation 1968579 (VCV001968579.5), dbSNP rs1288003006, ClinGen allele CA565948070.

ClinVar aggregate classification (germline): Uncertain significance (1 of 4 stars; one submission).

Allele frequency attached by ClinVar (database versions not stated): gnomAD 0.00001.
gnomAD v4.1: 45 of 1,549,114 alleles (0.0029%); highest among the groups gnomAD compares: Non-Finnish European, 0.0035%; no homozygotes.

Submission:

Labcorp Genetics (formerly Invitae), Labcorp
Classification: Uncertain significance. Last evaluated: 2022-08-13. Review status: criteria provided, single submitter. Criteria: Invitae Variant Classification Sherloc (09022015). Collection method: clinical testing. Allele origin: germline.
Comment: In summary, the available evidence is currently insufficient to determine the role of this variant in disease. Therefore, it has been classified as a Variant of Uncertain Significance. This variant has not been reported in the literature in individuals affected with FAM65B-related conditions. This variant is present in population databases (no rsID available, gnomAD 0.02%). This sequence change falls in intron 13 of the FAM65B gene. It does not directly change the encoded amino acid sequence of the FAM65B protein. Algorithms developed to predict the effect of sequence changes on RNA splicing suggest that this variant may disrupt the consensus splice site.